The following is an entry in ClinVar:

ClinVar aggregate classification (germline): Uncertain significance (1 of 4 stars; one submission).

Allele frequency attached by ClinVar (database versions not stated): gnomAD exomes below 0.00001.
gnomAD v4.1: 1 of 1,144,161 alleles (0.000087%); highest among the groups gnomAD compares: Non-Finnish European, 0.00012%; no homozygotes.

Submission:

Labcorp Genetics (formerly Invitae), Labcorp
Classification: Uncertain significance. Last evaluated: 2023-09-01. Review status: criteria provided, single submitter. Criteria: Invitae Variant Classification Sherloc (09022015). Collection method: clinical testing. Allele origin: germline.
Comment: This sequence change falls in intron 20 of the STAG2 gene. It does not directly change the encoded amino acid sequence of the STAG2 protein. It affects a nucleotide within the consensus splice site. This variant is not present in population databases (gnomAD no frequency). This variant has not been reported in the literature in individuals affected with STAG2-related conditions. Variants that disrupt the consensus splice site are a relatively common cause of aberrant splicing (PMID: 17576681, 9536098). Algorithms developed to predict the effect of sequence changes on RNA splicing suggest that this variant is not likely to affect RNA splicing. In summary, the available evidence is currently insufficient to determine the role of this variant in disease. Therefore, it has been classified as a Variant of Uncertain Significance.

Literature cited by the submitters: PubMed 17576681; PubMed 9536098.

NM_001042750.2(STAG2):c.2026-3T>C

Gene: STAG2 (STAG2 cohesin complex component; plus strand). Cytogenetic location: Xq25.
Variant type: single nucleotide variant.
Coding change: c.2026-3T>C on transcript NM_001042750.2 (MANE Select); 3 bases into the intron before coding-DNA position 2026, T replaced by C.
Molecular consequence: intron variant.
Genome position (GRCh38, 1-based): chrX:124,065,873, T>C. VCF-style: chrX-124065873-T-C. GRCh37 (hg19) VCF-style: chrX-123199723-T-C.
Other names: c.2026-3T>C (NM_001042749.2, NM_001375366.1, NM_001375373.1 and 13 more transcripts).
Identifiers: ClinVar variation 2855570 (VCV002855570.3), dbSNP rs1220100060, ClinGen allele CA644256180.